The following is an entry in ClinVar:

NM_007327.4(GRIN1):c.123G>A (p.Met41Ile)

Gene: GRIN1 (glutamate ionotropic receptor NMDA type subunit 1; plus strand). Cytogenetic location: 9q34.3.
Variant type: single nucleotide variant.
Coding change: c.123G>A on transcript NM_007327.4 (MANE Select); coding-DNA position 123, G replaced by A.
Protein change: p.Met41Ile; replaces methionine 41 with isoleucine.
Molecular consequence: missense variant.
Genome position (GRCh38, 1-based): chr9:137,139,609, G>A. VCF-style: chr9-137139609-G-A. GRCh37 (hg19) VCF-style: chr9-140034061-G-A.
Other names: c.123G>A, p.Met41Ile (NM_000832.7, NM_001185090.2, NM_001185091.2 and 1 more transcripts); short protein forms M41I.
Identifiers: ClinVar variation 2778597 (VCV002778597.3), dbSNP rs1832053827, ClinGen allele CA375713186.

ClinVar aggregate classification (germline): Uncertain significance (1 of 4 stars; one submission).

Conditions:
Neurodevelopmental disorder with or without hyperkinetic movements and seizures, autosomal dominant. Also called: Intellectual disability, autosomal dominant 8. Identifiers: MedGen C3280282, MONDO:0013655, OMIM 614254.

Allele frequency attached by ClinVar (database versions not stated): gnomAD 0.00001.
gnomAD v4.1: 1 of 1,613,612 alleles (0.000062%); highest among the groups gnomAD compares: South Asian, 0.0011%; no homozygotes.

Submission:

Labcorp Genetics (formerly Invitae), Labcorp
Classification: Uncertain significance for Neurodevelopmental disorder with or without hyperkinetic movements and seizures, autosomal dominant. Last evaluated: 2023-11-06. Review status: criteria provided, single submitter. Criteria: Invitae Variant Classification Sherloc (09022015). Collection method: clinical testing. Allele origin: germline.
Comment: This sequence change replaces methionine, which is neutral and non-polar, with isoleucine, which is neutral and non-polar, at codon 41 of the GRIN1 protein (p.Met41Ile). This variant is not present in population databases (gnomAD no frequency). This variant has not been reported in the literature in individuals affected with GRIN1-related conditions. Advanced modeling of protein sequence and biophysical properties (such as structural, functional, and spatial information, amino acid conservation, physicochemical variation, residue mobility, and thermodynamic stability) has been performed at Invitae for this missense variant, however the output from this modeling did not meet the statistical confidence thresholds required to predict the impact of this variant on GRIN1 protein function. In summary, the available evidence is currently insufficient to determine the role of this variant in disease. Therefore, it has been classified as a Variant of Uncertain Significance.